The following is an entry in ClinVar:

NM_025103.4(IFT74):c.916G>C (p.Glu306Gln)

Gene: IFT74 (intraflagellar transport 74; plus strand). Cytogenetic location: 9p21.2.
Variant type: single nucleotide variant.
Coding change: c.916G>C on transcript NM_025103.4 (MANE Select); coding-DNA position 916, G replaced by C.
Protein change: p.Glu306Gln; replaces glutamic acid 306 with glutamine.
Molecular consequence: missense variant.
Genome position (GRCh38, 1-based): chr9:27,017,033, G>C. VCF-style: chr9-27017033-G-C. GRCh37 (hg19) VCF-style: chr9-27017031-G-C.
Other names: c.916G>C, p.Glu306Gln (NM_001099222.3, NM_001099223.3, NM_001099224.3 and 1 more transcripts); short protein forms E306Q.
Identifiers: ClinVar variation 2094070 (VCV002094070.4), dbSNP rs1286872922, ClinGen allele CA373119978.

ClinVar aggregate classification (germline): Uncertain significance (1 of 4 stars; one submission).

Allele frequency attached by ClinVar (database versions not stated): TOPMed 0.00001.

Submission:

Labcorp Genetics (formerly Invitae), Labcorp
Classification: Uncertain significance. Last evaluated: 2022-02-06. Review status: criteria provided, single submitter. Criteria: Invitae Variant Classification Sherloc (09022015). Collection method: clinical testing. Allele origin: germline.
Comment: In summary, the available evidence is currently insufficient to determine the role of this variant in disease. Therefore, it has been classified as a Variant of Uncertain Significance. Algorithms developed to predict the effect of missense changes on protein structure and function are either unavailable or do not agree on the potential impact of this missense change (SIFT: "Deleterious"; PolyPhen-2: "Probably Damaging"; Align-GVGD: "Class C0"). This variant has not been reported in the literature in individuals affected with IFT74-related conditions. This variant is not present in population databases (gnomAD no frequency). This sequence change replaces glutamic acid, which is acidic and polar, with glutamine, which is neutral and polar, at codon 306 of the IFT74 protein (p.Glu306Gln).